The following is an entry in ClinVar:

NM_000334.4(SCN4A):c.3913T>G (p.Leu1305Val)

Genes: GH-LCR (growth hormone locus control region; plus strand), SCN4A (sodium voltage-gated channel alpha subunit 4; minus strand). Cytogenetic location: 17q23.3.
Variant type: single nucleotide variant.
Coding change: c.3913T>G on transcript NM_000334.4 (MANE Select); coding-DNA position 3913, T replaced by G.
Protein change: p.Leu1305Val; replaces leucine 1305 with valine.
Molecular consequence: missense variant.
Genome position (GRCh38, 1-based): chr17:63,943,850, A>C on the plus strand (T>G on the coding strand, the complement: SCN4A is on the minus strand). VCF-style: chr17-63943850-A-C. GRCh37 (hg19) VCF-style: chr17-62021210-A-C.
Other names: short protein forms L1305V.
Identifiers: ClinVar variation 3663856 (VCV003663856.2).

ClinVar aggregate classification (germline): Uncertain significance (1 of 4 stars; one submission).

Conditions:
Hyperkalemic periodic paralysis. Also called: Familial hyperkalemic periodic paralysis; Gamstorp disease. Identifiers: Orphanet 682, MedGen C0238357, MONDO:0008224, OMIM 170500, HP:0007215.

gnomAD v4.1: 3 of 1,590,812 alleles (0.00019%); highest among the groups gnomAD compares: South Asian, 0.0022%; 1 homozygote.

Submission:

Labcorp Genetics (formerly Invitae), Labcorp
Classification: Uncertain significance for Hyperkalemic periodic paralysis. Last evaluated: 2024-09-13. Review status: criteria provided, single submitter. Criteria: Invitae Variant Classification Sherloc (09022015). Collection method: clinical testing. Allele origin: germline.
Comment: This sequence change replaces leucine, which is neutral and non-polar, with valine, which is neutral and non-polar, at codon 1305 of the SCN4A protein (p.Leu1305Val). This variant is not present in population databases (gnomAD no frequency). This variant has not been reported in the literature in individuals affected with SCN4A-related conditions. An algorithm developed to predict the effect of missense changes on protein structure and function (PolyPhen-2) suggests that this variant is likely to be tolerated. In summary, the available evidence is currently insufficient to determine the role of this variant in disease. Therefore, it has been classified as a Variant of Uncertain Significance.